The following is an entry in ClinVar:

NM_030962.4(SBF2):c.3451C>T (p.Arg1151Trp)

Genes: SBF2 (SET binding factor 2; minus strand), LOC101928008 (uncharacterized LOC101928008; plus strand). Cytogenetic location: 11p15.4.
Variant type: single nucleotide variant.
Coding change: c.3451C>T on transcript NM_030962.4 (MANE Select); coding-DNA position 3451, C replaced by T.
Protein change: p.Arg1151Trp; replaces arginine 1151 with tryptophan.
Molecular consequence: missense variant.
Genome position (GRCh38, 1-based): chr11:9,839,502, G>A on the plus strand (C>T on the coding strand, the complement: SBF2 is on the minus strand). VCF-style: chr11-9839502-G-A. GRCh37 (hg19) VCF-style: chr11-9861049-G-A.
Other names: c.3451C>T, p.Arg1151Trp (NM_001386339.1); c.3322C>T, p.Arg1108Trp (NM_001386342.1); short protein forms R1151W, R1108W.
Identifiers: ClinVar variation 246179 (VCV000246179.11), dbSNP rs140550985, ClinGen allele CA5881283.
Genomic context (GRCh38, chr11:9,839,502, plus strand): 5'-TTCAAATAAGAAGAAAGGAAGGAAGACCTCTTTTTGGAGCCCACTGACACACTTACCTCC[G>A]GCAGAGTGAATACATCCTGTTGGAGGCAGTAATTCTAAAATACTCGGGTCTTGAACGGGA-3'
Protein context (NP_112224.1, residues 1141-1161): TASNRMYSLC[Arg1151Trp]SYPGLLVVPQ

ClinVar aggregate classification (germline): Uncertain significance. Review status: criteria provided, multiple submitters, no conflicts (2 of 4 stars). 4 submissions from 4 submitters: Uncertain significance (4). Last evaluated 2024-07-05.

Conditions:
Charcot-Marie-Tooth disease type 4. Also called: Charcot-Marie-Tooth disease, type IV; Charcot-Marie-Tooth, Type 4. Identifiers: Orphanet 64749, MedGen C4082197, MONDO:0018995.
Inborn genetic diseases. Identifiers: MedGen C0950123, MeSH D030342.

Allele frequency attached by ClinVar (database versions not stated): gnomAD 0.00001; TOPMed 0.00002; gnomAD exomes 0.00004; ExAC 0.00007; ESP Exome Variant Server 0.00023.
gnomAD v4.1: 56 of 1,613,898 alleles (0.0035%); highest among the groups gnomAD compares: Non-Finnish European, 0.0044%; no homozygotes.

Submissions (4):

GeneDx
Classification: Uncertain significance. Last evaluated: 2024-07-05. Review status: criteria provided, single submitter. Criteria: GeneDx Variant Classification Process June 2021. Collection method: clinical testing. Allele origin: germline. Affected: yes.
Comment: Not observed at significant frequency in large population cohorts (gnomAD); In silico analysis supports that this missense variant has a deleterious effect on protein structure/function; Has not been previously published as pathogenic or benign to our knowledge

Athena Diagnostics
Classification: Uncertain significance. Last evaluated: 2024-04-19. Review status: criteria provided, single submitter. Criteria: Athena Diagnostics Criteria. Collection method: clinical testing. Allele origin: unknown.

Labcorp Genetics (formerly Invitae), Labcorp
Classification: Uncertain significance for Charcot-Marie-Tooth disease type 4. Last evaluated: 2021-08-27. Review status: criteria provided, single submitter. Criteria: Invitae Variant Classification Sherloc (09022015). Collection method: clinical testing. Allele origin: germline.
Comment: This sequence change replaces arginine with tryptophan at codon 1151 of the SBF2 protein (p.Arg1151Trp). The arginine residue is highly conserved and there is a moderate physicochemical difference between arginine and tryptophan. This variant is present in population databases (rs140550985, ExAC 0.01%). This variant has not been reported in the literature in individuals affected with SBF2-related conditions. ClinVar contains an entry for this variant (Variation ID: 246179). Algorithms developed to predict the effect of missense changes on protein structure and function are either unavailable or do not agree on the potential impact of this missense change (SIFT: "Deleterious"; PolyPhen-2: "Probably Damaging"; Align-GVGD: "Class C0"). In summary, the available evidence is currently insufficient to determine the role of this variant in disease. Therefore, it has been classified as a Variant of Uncertain Significance.

Ambry Genetics
Classification: Uncertain significance for Inborn genetic diseases. Last evaluated: 2020-08-04. Review status: criteria provided, single submitter. Criteria: Ambry Variant Classification Scheme 2023. Collection method: clinical testing. Allele origin: germline.
Comment: The p.R1151W variant (also known as c.3451C>T), located in coding exon 26 of the SBF2 gene, results from a C to T substitution at nucleotide position 3451. The arginine at codon 1151 is replaced by tryptophan, an amino acid with dissimilar properties. This amino acid position is highly conserved in available vertebrate species. In addition, this alteration is predicted to be deleterious by in silico analysis. Since supporting evidence is limited at this time, the clinical significance of this alteration remains unclear.